The following is an entry in ClinVar:

NM_001035.3(RYR2):c.6862A>G (p.Ile2288Val)

Gene: RYR2 (ryanodine receptor 2; plus strand). Cytogenetic location: 1q43.
Variant type: single nucleotide variant.
Coding change: c.6862A>G on transcript NM_001035.3 (MANE Select); coding-DNA position 6862, A replaced by G.
Protein change: p.Ile2288Val; replaces isoleucine 2288 with valine.
Molecular consequence: missense variant.
Genome position (GRCh38, 1-based): chr1:237,638,426, A>G. VCF-style: chr1-237638426-A-G. GRCh37 (hg19) VCF-style: chr1-237801726-A-G.
Other names: short protein forms I2288V.
Identifiers: ClinVar variation 937189 (VCV000937189.12), dbSNP rs1228663009, ClinGen allele CA345395568.

ClinVar aggregate classification (germline): Uncertain significance. Review status: criteria provided, multiple submitters, no conflicts (2 of 4 stars). 3 submissions from 3 submitters: Uncertain significance (3). Last evaluated 2026-03-27.

Conditions:
Cardiovascular phenotype. Identifiers: MedGen CN230736.
Cardiomyopathy (CMYO). Also called: Cardiomyopathies. Identifiers: Orphanet 167848, MedGen C0878544, MONDO:0004994, HP:0001638. Inheritance: Various modes of inheritance.
Catecholaminergic polymorphic ventricular tachycardia 1. Also called: VENTRICULAR TACHYCARDIA, STRESS-INDUCED POLYMORPHIC 1; VENTRICULAR TACHYCARDIA, CATECHOLAMINERGIC POLYMORPHIC, 1, WITH OR WITHOUT ATRIAL DYSFUNCTION AND/OR DILATED CARDIOMYOPATHY; RYR2-Related Catecholaminergic Polymorphic Ventricular Tachycardia. Identifiers: Orphanet 3286, MedGen C1631597, MONDO:0011484, OMIM 604772.

Allele frequency attached by ClinVar (database versions not stated): TOPMed 0.00001; gnomAD 0.00001; gnomAD exomes 0.00001 and below 0.00001.
gnomAD v4.1: 7 of 1,613,888 alleles (0.00043%); highest among the groups gnomAD compares: Non-Finnish European, 0.00051%; no homozygotes.

Submissions (3):

Molecular Diagnostic Laboratory for Inherited Cardiovascular Disease, Montreal Heart Institute
Classification: Uncertain significance for Cardiovascular phenotype. Last evaluated: 2026-03-27. Review status: criteria provided, single submitter. Criteria: ACMG Guidelines, 2015. Collection method: clinical testing. Allele origin: germline. Affected: yes.
Comment: PM1, PM2, PP2

Color Diagnostics, LLC DBA Color Health
Classification: Uncertain significance for Cardiomyopathy. Last evaluated: 2025-04-28. Review status: criteria provided, single submitter. Criteria: ACMG Guidelines, 2015. Collection method: clinical testing. Allele origin: germline.
Comment: This missense variant replaces isoleucine with valine at codon 2288 of the RYR2 protein. Computational prediction is inconclusive regarding the impact of this variant on protein structure and function. To our knowledge, functional studies have not been reported for this variant. This variant has not been reported in individuals affected with RYR2-related disorders in the literature. This variant has been identified in 2/249274 chromosomes in the general population by the Genome Aggregation Database (gnomAD). The available evidence is insufficient to determine the role of this variant in disease conclusively. Therefore, this variant is classified as a Variant of Uncertain Significance.

Labcorp Genetics (formerly Invitae), Labcorp
Classification: Uncertain significance for Catecholaminergic polymorphic ventricular tachycardia 1. Last evaluated: 2024-07-21. Review status: criteria provided, single submitter. Criteria: Invitae Variant Classification Sherloc (09022015). Collection method: clinical testing. Allele origin: germline.
Comment: This sequence change replaces isoleucine, which is neutral and non-polar, with valine, which is neutral and non-polar, at codon 2288 of the RYR2 protein (p.Ile2288Val). This variant is present in population databases (no rsID available, gnomAD 0.0009%). This variant has not been reported in the literature in individuals affected with RYR2-related conditions. ClinVar contains an entry for this variant (Variation ID: 937189). Advanced modeling of protein sequence and biophysical properties (such as structural, functional, and spatial information, amino acid conservation, physicochemical variation, residue mobility, and thermodynamic stability) performed at Invitae indicates that this missense variant is not expected to disrupt RYR2 protein function with a negative predictive value of 95%. In summary, the available evidence is currently insufficient to determine the role of this variant in disease. Therefore, it has been classified as a Variant of Uncertain Significance.